The following is an entry in ClinVar:

NM_173500.4(TTBK2):c.998C>A (p.Pro333His)

Gene: TTBK2 (tau tubulin kinase 2; minus strand). Cytogenetic location: 15q15.2.
Variant type: single nucleotide variant.
Coding change: c.998C>A on transcript NM_173500.4 (MANE Select); coding-DNA position 998, C replaced by A.
Protein change: p.Pro333His; replaces proline 333 with histidine.
Molecular consequence: missense variant.
Genome position (GRCh38, 1-based): chr15:42,783,618, G>T on the plus strand (C>A on the coding strand, the complement: TTBK2 is on the minus strand). VCF-style: chr15-42783618-G-T. GRCh37 (hg19) VCF-style: chr15-43075816-G-T.
Other names: short protein forms P333H.
Identifiers: ClinVar variation 3329748 (VCV003329748.3).

ClinVar aggregate classification (germline): Uncertain significance. Review status: criteria provided, multiple submitters, no conflicts (2 of 4 stars). 2 submissions from 2 submitters: Uncertain significance (2). Last evaluated 2024-04-17.

Conditions:
Inborn genetic diseases. Identifiers: MedGen C0950123, MeSH D030342.

gnomAD v4.1: 16 of 1,613,636 alleles (0.00099%); highest among the groups gnomAD compares: Non-Finnish European, 0.0013%; no homozygotes.

Submissions (2):

Ambry Genetics
Classification: Uncertain significance for Inborn genetic diseases. Last evaluated: 2024-04-17. Review status: criteria provided, single submitter. Criteria: Ambry Variant Classification Scheme 2023. Collection method: clinical testing. Allele origin: germline.

Labcorp Genetics (formerly Invitae), Labcorp
Classification: Uncertain significance. Last evaluated: 2024-03-18. Review status: criteria provided, single submitter. Criteria: Invitae Variant Classification Sherloc (09022015). Collection method: clinical testing. Allele origin: germline.
Comment: This sequence change replaces proline, which is neutral and non-polar, with histidine, which is basic and polar, at codon 333 of the TTBK2 protein (p.Pro333His). The frequency data for this variant in the population databases is considered unreliable, as metrics indicate poor data quality at this position in the gnomAD database. This variant has not been reported in the literature in individuals affected with TTBK2-related conditions. Advanced modeling of protein sequence and biophysical properties (such as structural, functional, and spatial information, amino acid conservation, physicochemical variation, residue mobility, and thermodynamic stability) performed at Invitae indicates that this missense variant is not expected to disrupt TTBK2 protein function with a negative predictive value of 80%. In summary, the available evidence is currently insufficient to determine the role of this variant in disease. Therefore, it has been classified as a Variant of Uncertain Significance.